The following is an entry in ClinVar:

ClinVar aggregate classification (germline): Uncertain significance (1 of 4 stars; one submission).

Conditions:
Cardiovascular phenotype. Identifiers: MedGen CN230736.

gnomAD v4.1: 2 of 1,550,452 alleles (0.00013%); highest among the groups gnomAD compares: Non-Finnish European, 0.00017%; no homozygotes.

Submission:

Ambry Genetics
Classification: Uncertain significance for Cardiovascular phenotype. Last evaluated: 2021-06-22. Review status: criteria provided, single submitter. Criteria: Ambry Variant Classification Scheme 2023. Collection method: clinical testing. Allele origin: germline.
Comment: The p.P3817L variant (also known as c.11450C>T), located in coding exon 2 of the ZNF469 gene, results from a C to T substitution at nucleotide position 11450. The proline at codon 3817 is replaced by leucine, an amino acid with similar properties. This amino acid position is conserved. In addition, this alteration is predicted to be tolerated by in silico analysis. Since supporting evidence is limited at this time, the clinical significance of this alteration remains unclear.

NM_001367624.2(ZNF469):c.11534C>T (p.Pro3845Leu)

Gene: ZNF469 (zinc finger protein 469; plus strand). Cytogenetic location: 16q24.2.
Variant type: single nucleotide variant.
Coding change: c.11534C>T on transcript NM_001367624.2 (MANE Select); coding-DNA position 11534, C replaced by T.
Protein change: p.Pro3845Leu; replaces proline 3845 with leucine.
Molecular consequence: missense variant.
Genome position (GRCh38, 1-based): chr16:88,439,004, C>T. VCF-style: chr16-88439004-C-T. GRCh37 (hg19) VCF-style: chr16-88505412-C-T.
Other names: NM_001127464.1:c.11450C>T; short protein forms P3845L.
Identifiers: ClinVar variation 1732203 (VCV001732203.2), dbSNP rs746145535, ClinGen allele CA397130353.